The following is an entry in ClinVar:

NM_005591.4(MRE11):c.556G>T (p.Asp186Tyr)

Gene: MRE11 (MRE11 double strand break repair nuclease; minus strand). Cytogenetic location: 11q21.
Variant type: single nucleotide variant.
Coding change: c.556G>T on transcript NM_005591.4 (MANE Select); coding-DNA position 556, G replaced by T.
Protein change: p.Asp186Tyr; replaces aspartic acid 186 with tyrosine.
Molecular consequence: missense variant.
Genome position (GRCh38, 1-based): chr11:94,476,392, C>A on the plus strand (G>T on the coding strand, the complement: MRE11 is on the minus strand). VCF-style: chr11-94476392-C-A. GRCh37 (hg19) VCF-style: chr11-94209558-C-A.
Other names: c.556G>T, p.Asp186Tyr (NM_001330347.2, NM_005590.4); short protein forms D186Y.
Identifiers: ClinVar variation 1799925 (VCV001799925.3), dbSNP rs1176279257, ClinGen allele CA382377014.

ClinVar aggregate classification (germline): Uncertain significance (1 of 4 stars; one submission).

Conditions:
Hereditary cancer-predisposing syndrome. Also called: Neoplastic Syndromes, Hereditary; Tumor predisposition; Hereditary Cancer Syndrome; Hereditary neoplastic syndrome. Identifiers: Orphanet 140162, MedGen C0027672, MeSH D009386, MONDO:0015356.

Submission:

Ambry Genetics
Classification: Uncertain significance for Hereditary cancer-predisposing syndrome. Last evaluated: 2023-08-29. Review status: criteria provided, single submitter. Criteria: Ambry Variant Classification Scheme 2023. Collection method: clinical testing. Allele origin: germline.
Comment: The p.D186Y variant (also known as c.556G>T), located in coding exon 6 of the MRE11A gene, results from a G to T substitution at nucleotide position 556. The aspartic acid at codon 186 is replaced by tyrosine, an amino acid with highly dissimilar properties. This amino acid position is highly conserved in available vertebrate species. In addition, this alteration is predicted to be deleterious by in silico analysis. Since supporting evidence is limited at this time, the clinical significance of this alteration remains unclear.